The following is an entry in ClinVar:

ClinVar aggregate classification (germline): Likely benign. Review status: criteria provided, multiple submitters, no conflicts (2 of 4 stars). 2 submissions from 2 submitters: Likely benign (2). Last evaluated 2024-09-01.

gnomAD v4.1: 3 of 1,614,206 alleles (0.00019%); highest among the groups gnomAD compares: Non-Finnish European, 0.00025%; no homozygotes.

Submissions (2):

CeGaT Center for Human Genetics Tuebingen
Classification: Likely benign. Last evaluated: 2024-09-01. Review status: criteria provided, single submitter. Criteria: CeGaT Center For Human Genetics Tuebingen Variant Classification Criteria Version 2. Collection method: clinical testing. Allele origin: germline. Affected: yes. Observed: 1 variant allele.
Comment: TCF20: BP4, BP7

Blueprint Genetics
Classification: Likely benign. Last evaluated: 2019-03-21. Review status: criteria provided, single submitter. Criteria: ACMG Guidelines, 2015. Collection method: clinical testing. Allele origin: germline.

NM_001378418.1(TCF20):c.5433A>G (p.Ala1811=)

Gene: TCF20 (transcription factor 20; minus strand). Cytogenetic location: 22q13.2.
Variant type: single nucleotide variant.
Coding change: c.5433A>G on transcript NM_001378418.1 (MANE Select); coding-DNA position 5433, A replaced by G.
Protein change: p.Ala1811=; no amino-acid change (alanine 1811 retained).
Molecular consequence: synonymous variant.
Genome position (GRCh38, 1-based): chr22:42,209,873, T>C on the plus strand (A>G on the coding strand, the complement: TCF20 is on the minus strand). VCF-style: chr22-42209873-T-C. GRCh37 (hg19) VCF-style: chr22-42605879-T-C.
Other names: c.5433A>G, p.Ala1811= (NM_005650.4, NM_181492.3).
Identifiers: ClinVar variation 3389378 (VCV003389378.15).